The following is an entry in ClinVar:

ClinVar aggregate classification (germline): Uncertain significance (1 of 4 stars; one submission).

Conditions:
Werner syndrome (WRN). Identifiers: Orphanet 902, MedGen C0043119, MONDO:0010196, OMIM 277700.

Submission:

Labcorp Genetics (formerly Invitae), Labcorp
Classification: Uncertain significance for Werner syndrome. Last evaluated: 2024-10-26. Review status: criteria provided, single submitter. Criteria: Invitae Variant Classification Sherloc (09022015). Collection method: clinical testing. Allele origin: germline.
Comment: This variant, c.138_140del, results in the deletion of 1 amino acid(s) of the WRN protein (p.Phe46del), but otherwise preserves the integrity of the reading frame. This variant is not present in population databases (gnomAD no frequency). This variant has not been reported in the literature in individuals affected with WRN-related conditions. Experimental studies and prediction algorithms are not available or were not evaluated, and the functional significance of this variant is currently unknown. In summary, the available evidence is currently insufficient to determine the role of this variant in disease. Therefore, it has been classified as a Variant of Uncertain Significance.

NM_000553.6(WRN):c.135CTT[1] (p.Phe46del)

Gene: WRN (WRN RecQ like helicase; plus strand). Cytogenetic location: 8p12.
Variant type: Microsatellite.
Coding change: c.135CTT[1] on transcript NM_000553.6 (MANE Select); one copy of the 3-base unit CTT starting at c.135; the reference has two copies in a row; one copy, 3 bases deleted.
Protein change: p.Phe46del; deletes phenylalanine 46.
Molecular consequence: inframe deletion.
Genome position (GRCh38, 1-based): chr8:31,059,194-31,059,196, CTT deleted; deleting any 3 consecutive bases within chr8:31,059,191-31,059,196 gives the same sequence; the position shown is the placement nearest the transcript's 3' end. VCF-style (leftmost placement, unchanged base first): chr8-31059190-CCTT-C. GRCh37 (hg19) VCF-style: chr8-30916706-CCTT-C.
Other names: short protein forms F46del.
Identifiers: ClinVar variation 1024762 (VCV001024762.3), dbSNP rs768226589, ClinGen allele CA4703989.